The following is an entry in ClinVar:

NM_004370.6(COL12A1):c.5035G>T (p.Ala1679Ser)

Gene: COL12A1 (collagen type XII alpha 1 chain; minus strand). Cytogenetic location: 6q13.
Variant type: single nucleotide variant.
Coding change: c.5035G>T on transcript NM_004370.6 (MANE Select); coding-DNA position 5035, G replaced by T.
Protein change: p.Ala1679Ser; replaces alanine 1679 with serine.
Molecular consequence: missense variant.
Genome position (GRCh38, 1-based): chr6:75,138,884, C>A on the plus strand (G>T on the coding strand, the complement: COL12A1 is on the minus strand). VCF-style: chr6-75138884-C-A. GRCh37 (hg19) VCF-style: chr6-75848600-C-A.
Other names: c.5035G>T (NM_004370.5); c.1543G>T, p.Ala515Ser (NM_080645.3); short protein forms A1679S, A515S.
Identifiers: ClinVar variation 1484585 (VCV001484585.9), dbSNP rs550455854, ClinGen allele CA364739732.

ClinVar aggregate classification (germline): Uncertain significance. Review status: criteria provided, multiple submitters, no conflicts (2 of 4 stars). 2 submissions from 2 submitters: Uncertain significance (2). Last evaluated 2023-02-06.

Conditions:
Ullrich congenital muscular dystrophy 2 (UCMD2). Identifiers: Orphanet 75840, MedGen C4225314, MONDO:0014654, OMIM 616470.
Bethlem myopathy 2 (BTHLM2). Identifiers: Orphanet 536516, Orphanet 610, MedGen C4225313, MONDO:0034022, OMIM 616471.

Submissions (2):

GeneDx
Classification: Uncertain significance. Last evaluated: 2023-02-06. Review status: criteria provided, single submitter. Criteria: GeneDx Variant Classification Process June 2021. Collection method: clinical testing. Allele origin: germline. Affected: yes.
Comment: Has not been previously published as pathogenic or benign to our knowledge; Not observed at significant frequency in large population cohorts (gnomAD); In silico analysis supports that this missense variant does not alter protein structure/function

Labcorp Genetics (formerly Invitae), Labcorp
Classification: Uncertain significance for Bethlem myopathy 2; Ullrich congenital muscular dystrophy 2. Last evaluated: 2022-07-06. Review status: criteria provided, single submitter. Criteria: Invitae Variant Classification Sherloc (09022015). Collection method: clinical testing. Allele origin: germline.
Comment: In summary, the available evidence is currently insufficient to determine the role of this variant in disease. Therefore, it has been classified as a Variant of Uncertain Significance. Algorithms developed to predict the effect of missense changes on protein structure and function are either unavailable or do not agree on the potential impact of this missense change (SIFT: "Deleterious"; PolyPhen-2: "Probably Damaging"; Align-GVGD: "Class C0"). ClinVar contains an entry for this variant (Variation ID: 1484585). This variant has not been reported in the literature in individuals affected with COL12A1-related conditions. This variant is not present in population databases (gnomAD no frequency). This sequence change replaces alanine, which is neutral and non-polar, with serine, which is neutral and polar, at codon 1679 of the COL12A1 protein (p.Ala1679Ser).